The following is an entry in ClinVar:

ClinVar aggregate classification (germline): Pathogenic (1 of 4 stars; one submission).

Submission:

GeneDx
Classification: Pathogenic. Last evaluated: 2019-10-07. Review status: criteria provided, single submitter. Criteria: GeneDx Variant Classification Process June 2021. Collection method: clinical testing. Allele origin: germline. Affected: yes.
Comment: Nonsense variant predicted to result in protein truncation or nonsense mediated decay in a gene for which loss-of-function is a known mechanism of disease; Not observed in large population cohorts (Lek et al., 2016); Has not been previously published as pathogenic or benign to our knowledge

NM_007363.5(NONO):c.217C>T (p.Arg73Ter)

Gene: NONO (non-POU domain containing octamer binding; plus strand). Cytogenetic location: Xq13.1.
Variant type: single nucleotide variant.
Coding change: c.217C>T on transcript NM_007363.5 (MANE Select); coding-DNA position 217, C replaced by T.
Protein change: p.Arg73Ter; replaces arginine 73 with a stop codon.
Molecular consequence: nonsense. On other transcripts: 5 prime UTR variant (1).
Genome position (GRCh38, 1-based): chrX:71,291,841, C>T. VCF-style: chrX-71291841-C-T. GRCh37 (hg19) VCF-style: chrX-70511691-C-T.
Other names: c.217C>T, p.Arg73Ter (NM_001145408.2, NM_001145409.2); c.-51C>T (NM_001145410.2); short protein forms R73*.
Identifiers: ClinVar variation 432295 (VCV000432295.3), dbSNP rs1555949215, ClinGen allele CA413538710.